The following is an entry in ClinVar:

NM_001367871.1(FBRSL1):c.2099del (p.Phe700fs)

Gene: FBRSL1 (fibrosin like 1; plus strand). Cytogenetic location: 12q24.33.
Variant type: Deletion.
Coding change: c.2099del on transcript NM_001367871.1 (MANE Select); coding-DNA position 2099, one base deleted (T; older notation c.2099delT).
Protein change: p.Phe700fs; shifts the reading frame from phenylalanine 700.
Molecular consequence: frameshift variant.
Genome position (GRCh38, 1-based): chr12:132,582,164, T deleted; the last of 2 consecutive T bases (chr12:132,582,163-132,582,164); deleting either gives the same sequence. VCF-style (leftmost placement, unchanged base first): chr12-132582162-CT-C. GRCh37 (hg19) VCF-style: chr12-133158748-CT-C.
Other names: c.2228del, p.Phe743fs (NM_001142641.2); c.2153del, p.Phe718fs (NM_001382739.1); c.1478del, p.Phe493fs (NM_001382740.1); short protein forms F493fs, F700fs, F718fs, F743fs.
Identifiers: ClinVar variation 4540184 (VCV004540184.1).

ClinVar aggregate classification (germline): Uncertain significance (1 of 4 stars; one submission).

Submission:

GeneDx
Classification: Uncertain significance. Last evaluated: 2025-06-25. Review status: criteria provided, single submitter. Criteria: GeneDx Variant Classification Process June 2021. Collection method: clinical testing. Allele origin: germline. Affected: yes.
Comment: Not observed at significant frequency in large population cohorts (gnomAD); Has not been previously published as pathogenic or benign to our knowledge; Frameshift variant predicted to result in abnormal protein length as the last 303 amino acid(s) are replaced with 18 different amino acid(s) with an unclear effect on protein function